The following is an entry in ClinVar:

NM_023935.3(DDRGK1):c.20A>T (p.Tyr7Phe)

Genes: DDRGK1 (DDRGK domain containing 1; minus strand), ITPA (inosine triphosphatase; plus strand). Cytogenetic location: 20p13.
Variant type: single nucleotide variant.
Coding change: c.20A>T on transcript NM_023935.3 (MANE Select); coding-DNA position 20, A replaced by T.
Protein change: p.Tyr7Phe; replaces tyrosine 7 with phenylalanine.
Molecular consequence: missense variant.
Genome position (GRCh38, 1-based): chr20:3,204,608, T>A on the plus strand (A>T on the coding strand, the complement: DDRGK1 is on the minus strand). VCF-style: chr20-3204608-T-A. GRCh37 (hg19) VCF-style: chr20-3185254-T-A.
Other names: short protein forms Y7F.
Identifiers: ClinVar variation 2415102 (VCV002415102.6), dbSNP rs1165010230, ClinGen allele CA408073819.

ClinVar aggregate classification (germline): Uncertain significance (1 of 4 stars; one submission).

Submission:

Labcorp Genetics (formerly Invitae), Labcorp
Classification: Uncertain significance. Last evaluated: 2022-07-19. Review status: criteria provided, single submitter. Criteria: Invitae Variant Classification Sherloc (09022015). Collection method: clinical testing. Allele origin: germline.
Comment: In summary, the available evidence is currently insufficient to determine the role of this variant in disease. Therefore, it has been classified as a Variant of Uncertain Significance. Algorithms developed to predict the effect of missense changes on protein structure and function are either unavailable or do not agree on the potential impact of this missense change (SIFT: "Not Available"; PolyPhen-2: "Possibly Damaging"; Align-GVGD: "Not Available"). This variant has not been reported in the literature in individuals affected with DDRGK1-related conditions. This variant is not present in population databases (gnomAD no frequency). This sequence change replaces tyrosine, which is neutral and polar, with phenylalanine, which is neutral and non-polar, at codon 7 of the DDRGK1 protein (p.Tyr7Phe).